The following is an entry in ClinVar:

NM_016580.4(PCDH12):c.579T>C (p.His193=)

Genes: PCDH12 (protocadherin 12; minus strand), RNF14 (ring finger protein 14; plus strand). Cytogenetic location: 5q31.3.
Variant type: single nucleotide variant.
Coding change: c.579T>C on transcript NM_016580.4 (MANE Select); coding-DNA position 579, T replaced by C.
Protein change: p.His193=; no amino-acid change (histidine 193 retained).
Molecular consequence: synonymous variant.
Genome position (GRCh38, 1-based): chr5:141,957,273, A>G on the plus strand (T>C on the coding strand, the complement: PCDH12 is on the minus strand). VCF-style: chr5-141957273-A-G. GRCh37 (hg19) VCF-style: chr5-141336838-A-G.
Identifiers: ClinVar variation 3772290 (VCV003772290.13).

ClinVar aggregate classification (germline): Likely benign (1 of 4 stars; one submission).

gnomAD v4.1: 12 of 1,613,862 alleles (0.00074%); highest among the groups gnomAD compares: Admixed American, 0.0067%; no homozygotes.

Submission:

CeGaT Center for Human Genetics Tuebingen
Classification: Likely benign. Last evaluated: 2025-01-01. Review status: criteria provided, single submitter. Criteria: CeGaT Center For Human Genetics Tuebingen Variant Classification Criteria Version 2. Collection method: clinical testing. Allele origin: germline. Affected: yes. Observed: 1 variant allele.
Comment: PCDH12: BP4, BP7